The following is an entry in ClinVar:

NM_015272.5(RPGRIP1L):c.2032A>C (p.Ile678Leu)

Gene: RPGRIP1L (RPGRIP1 like; minus strand). Cytogenetic location: 16q12.2.
Variant type: single nucleotide variant.
Coding change: c.2032A>C on transcript NM_015272.5 (MANE Select); coding-DNA position 2032, A replaced by C.
Protein change: p.Ile678Leu; replaces isoleucine 678 with leucine.
Molecular consequence: missense variant.
Genome position (GRCh38, 1-based): chr16:53,652,655, T>G on the plus strand (A>C on the coding strand, the complement: RPGRIP1L is on the minus strand). VCF-style: chr16-53652655-T-G. GRCh37 (hg19) VCF-style: chr16-53686567-T-G.
Other names: c.2032A>C, p.Ile678Leu (NM_001127897.4, NM_001308334.3, NM_001330538.2); c.2032A>C (NM_015272.4, NM_015272.2); short protein forms I678L.
Identifiers: ClinVar variation 991024 (VCV000991024.5), dbSNP rs958116016, ClinGen allele CA281343960.

ClinVar aggregate classification (germline): Uncertain significance. Review status: criteria provided, multiple submitters, no conflicts (2 of 4 stars). 4 submissions from 4 submitters: Uncertain significance (3). 1 of the submissions does not count toward it. Last evaluated 2025-08-23.

Conditions:
RPGRIP1L-related disorder. Also called: RPGRIP1L-related condition; RPGRIP1L-related disorders. Identifiers: MedGen CN239416.
Meckel-Gruber syndrome. Also called: GRUBER SYNDROME; Dysencephalia splachnocystica; DYSENCEPHALIA SPLANCHNOCYSTICA. Identifiers: Orphanet 564, MedGen C0265215, MONDO:0018921.
Joubert syndrome. Also called: Familial aplasia of the vermis; JOUBERT-BOLTSHAUSER SYNDROME. Identifiers: Orphanet 475, MedGen C5979921, MONDO:0018772.
Inborn genetic diseases. Identifiers: MedGen C0950123, MeSH D030342.

Allele frequency attached by ClinVar (database versions not stated): gnomAD exomes below 0.00001; TOPMed 0.00002.
gnomAD v4.1: 3 of 1,613,526 alleles (0.00019%); highest among the groups gnomAD compares: African/African-American, 0.004%; no homozygotes.

Submissions (4):

Ambry Genetics
Classification: Uncertain significance for Inborn genetic diseases. Last evaluated: 2025-08-23. Review status: criteria provided, single submitter. Criteria: Ambry Variant Classification Scheme 2023. Collection method: clinical testing. Allele origin: germline.

PreventionGenetics, part of Exact Sciences
Classification: Uncertain significance for RPGRIP1L-related condition. Last evaluated: 2025-06-23. Review status: criteria provided, single submitter. Criteria: ACMG Guidelines, 2015. Collection method: clinical testing. Allele origin: germline.
Comment: The RPGRIP1L c.2032A>C variant is predicted to result in the amino acid substitution p.Ile678Leu. To our knowledge, this variant has not been reported in the literature. This variant is reported in 0.0062% of alleles in individuals of African descent in gnomAD. At this time, the clinical significance of this variant is uncertain due to the absence of conclusive functional and genetic evidence.

Labcorp Genetics (formerly Invitae), Labcorp
Classification: Uncertain significance for Joubert syndrome; Meckel-Gruber syndrome. Last evaluated: 2022-07-19. Review status: criteria provided, single submitter. Criteria: Invitae Variant Classification Sherloc (09022015). Collection method: clinical testing. Allele origin: germline.
Comment: This sequence change replaces isoleucine, which is neutral and non-polar, with leucine, which is neutral and non-polar, at codon 678 of the RPGRIP1L protein (p.Ile678Leu). This variant is present in population databases (no rsID available, gnomAD 0.007%). This variant has not been reported in the literature in individuals affected with RPGRIP1L-related conditions. ClinVar contains an entry for this variant (Variation ID: 991024). Algorithms developed to predict the effect of missense changes on protein structure and function (SIFT, PolyPhen-2, Align-GVGD) all suggest that this variant is likely to be tolerated. In summary, the available evidence is currently insufficient to determine the role of this variant in disease. Therefore, it has been classified as a Variant of Uncertain Significance.

Natera, Inc.
Classification: Uncertain significance for Joubert syndrome. Last evaluated: 2020-04-24. Review status: no assertion criteria provided. Collection method: clinical testing. Allele origin: germline. Not counted in ClinVar's aggregate classification.